The following is an entry in ClinVar:

NM_020461.4(TUBGCP6):c.1082T>C (p.Ile361Thr)

Gene: TUBGCP6 (tubulin gamma complex component 6; minus strand). Cytogenetic location: 22q13.33.
Variant type: single nucleotide variant.
Coding change: c.1082T>C on transcript NM_020461.4 (MANE Select); coding-DNA position 1082, T replaced by C.
Protein change: p.Ile361Thr; replaces isoleucine 361 with threonine.
Molecular consequence: missense variant.
Genome position (GRCh38, 1-based): chr22:50,233,350, A>G on the plus strand (T>C on the coding strand, the complement: TUBGCP6 is on the minus strand). VCF-style: chr22-50233350-A-G. GRCh37 (hg19) VCF-style: chr22-50671779-A-G.
Other names: short protein forms I361T.
Identifiers: ClinVar variation 1517745 (VCV001517745.8), dbSNP rs746530939, ClinGen allele CA10308837.
Genomic context (GRCh38, chr22:50,233,350, plus strand): 5'-TGTGGCGGGGAGTGAGCAGTTCTCACCTGGCAGAGCGAAAACGTGGCAGACACGACCCCA[A>G]TCAAGACGTTCAGCACGTCTTTCACCAGCTCGCACTCCTTCACCAGCACGGGCTGCGGGG-3'
Protein context (NP_065194.3, residues 351-371): ELVKDVLNVL[Ile361Thr]GVVSATFSLC

ClinVar aggregate classification (germline): Uncertain significance (1 of 4 stars; one submission).

Allele frequency attached by ClinVar (database versions not stated): gnomAD exomes below 0.00001; TOPMed below 0.00001; ExAC 0.00001; gnomAD 0.00001.
gnomAD v4.1: 5 of 1,613,824 alleles (0.00031%); highest among the groups gnomAD compares: East Asian, 0.0045%; no homozygotes.

Submission:

Labcorp Genetics (formerly Invitae), Labcorp
Classification: Uncertain significance. Last evaluated: 2022-06-27. Review status: criteria provided, single submitter. Criteria: Invitae Variant Classification Sherloc (09022015). Collection method: clinical testing. Allele origin: germline.
Comment: In summary, the available evidence is currently insufficient to determine the role of this variant in disease. Therefore, it has been classified as a Variant of Uncertain Significance. This sequence change replaces isoleucine, which is neutral and non-polar, with threonine, which is neutral and polar, at codon 361 of the TUBGCP6 protein (p.Ile361Thr). This variant is present in population databases (rs746530939, gnomAD 0.006%). This variant has not been reported in the literature in individuals affected with TUBGCP6-related conditions. Algorithms developed to predict the effect of missense changes on protein structure and function are either unavailable or do not agree on the potential impact of this missense change (SIFT: "Deleterious"; PolyPhen-2: "Possibly Damaging"; Align-GVGD: "Class C0").